The following is an entry in ClinVar:

NM_001288705.3(CSF1R):c.1402G>T (p.Val468Leu)

Gene: CSF1R (colony stimulating factor 1 receptor; minus strand). Cytogenetic location: 5q32.
Variant type: single nucleotide variant.
Coding change: c.1402G>T on transcript NM_001288705.3 (MANE Select); coding-DNA position 1402, G replaced by T.
Protein change: p.Val468Leu; replaces valine 468 with leucine.
Molecular consequence: missense variant. On other transcripts: non-coding transcript variant (2).
Genome position (GRCh38, 1-based): chr5:150,069,981, C>A on the plus strand (G>T on the coding strand, the complement: CSF1R is on the minus strand). VCF-style: chr5-150069981-C-A. GRCh37 (hg19) VCF-style: chr5-149449544-C-A.
Other names: c.1402G>T, p.Val468Leu (NM_001349736.2, NM_001375320.1, NM_005211.4); c.958G>T, p.Val320Leu (NM_001375321.1); short protein forms V320L, V468L.
Identifiers: ClinVar variation 930387 (VCV000930387.10), dbSNP rs756493296, ClinGen allele CA3506854.

ClinVar aggregate classification (germline): Uncertain significance. Review status: criteria provided, multiple submitters, no conflicts (2 of 4 stars). 2 submissions from 2 submitters: Uncertain significance (2). Last evaluated 2024-12-26.

Conditions:
Brain abnormalities, neurodegeneration, and dysosteosclerosis. Identifiers: MedGen C5193117, MONDO:0032772, OMIM 618476.

Allele frequency attached by ClinVar (database versions not stated): gnomAD 0.00001 and 0.00002; gnomAD exomes 0.00001 and 0.00002; TOPMed 0.00001; ExAC 0.00003.
gnomAD v4.1: 16 of 1,614,042 alleles (0.00099%); highest among the groups gnomAD compares: Non-Finnish European, 0.001%; no homozygotes.

Submissions (2):

Labcorp Genetics (formerly Invitae), Labcorp
Classification: Uncertain significance. Last evaluated: 2024-12-26. Review status: criteria provided, single submitter. Criteria: Invitae Variant Classification Sherloc (09022015). Collection method: clinical testing. Allele origin: germline.
Comment: This sequence change replaces valine, which is neutral and non-polar, with leucine, which is neutral and non-polar, at codon 468 of the CSF1R protein (p.Val468Leu). This variant is present in population databases (rs756493296, gnomAD 0.004%). This variant has not been reported in the literature in individuals affected with CSF1R-related conditions. ClinVar contains an entry for this variant (Variation ID: 930387). Invitae Evidence Modeling of protein sequence and biophysical properties (such as structural, functional, and spatial information, amino acid conservation, physicochemical variation, residue mobility, and thermodynamic stability) indicates that this missense variant is not expected to disrupt CSF1R protein function with a negative predictive value of 95%. In summary, the available evidence is currently insufficient to determine the role of this variant in disease. Therefore, it has been classified as a Variant of Uncertain Significance.

Centre for Mendelian Genomics, University Medical Centre Ljubljana
Classification: Uncertain significance for Brain abnormalities, neurodegeneration, and dysosteosclerosis. Last evaluated: 2016-01-01. Review status: criteria provided, single submitter. Criteria: ACMG Guidelines, 2015. Collection method: clinical testing. Allele origin: unknown. Affected: yes.
Comment: This variant was classified as: Uncertain significance. The following ACMG criteria were applied in classifying this variant: PP4.